The following is an entry in ClinVar:

NM_001035.3(RYR2):c.558G>A (p.Val186=)

Gene: RYR2 (ryanodine receptor 2; plus strand). Cytogenetic location: 1q43.
Variant type: single nucleotide variant.
Coding change: c.558G>A on transcript NM_001035.3 (MANE Select); coding-DNA position 558, G replaced by A.
Protein change: p.Val186=; no amino-acid change (valine 186 retained).
Molecular consequence: synonymous variant.
Genome position (GRCh38, 1-based): chr1:237,377,417, G>A. VCF-style: chr1-237377417-G-A. GRCh37 (hg19) VCF-style: chr1-237540717-G-A.
Identifiers: ClinVar variation 3070334 (VCV003070334.1), dbSNP rs2529993579, ClinGen allele CA423808748.
Genomic context (GRCh38, chr1:237,377,417, plus strand): 5'-TAAGCAGCGATCAGAAGGAGAAAAAGTACGAGTTGGAGATGACCTCATCTTAGTTAGCGT[G>A]TCCTCTGAAAGGTACTTGGTAAGTGTGGAAAGTAGGATCATGTATCTGCTGATATGCTAA-3'
Protein context (NP_001026.2, residues 176-196): RVGDDLILVS[Val186=]SSERYLHLSY

ClinVar aggregate classification (germline): Likely benign (1 of 4 stars; one submission).

Conditions:
Catecholaminergic polymorphic ventricular tachycardia (CVPT). Also called: Catecholamine-induced polymorphic ventricular tachycardia. Identifiers: Orphanet 3286, MedGen C5574922, MONDO:0017990.

Allele frequency attached by ClinVar (database versions not stated): gnomAD exomes 0.00001.
gnomAD v4.1: 5 of 1,613,506 alleles (0.00031%); highest among the groups gnomAD compares: Non-Finnish European, 0.00042%; no homozygotes.

Submission:

All of Us Research Program, National Institutes of Health
Classification: Likely benign for Catecholaminergic polymorphic ventricular tachycardia. Last evaluated: 2023-04-03. Review status: criteria provided, single submitter. Criteria: ACMG Guidelines, 2015. Collection method: clinical testing. Allele origin: germline. Inheritance: Autosomal dominant inheritance. Observed: 1 variant allele, 1 heterozygote.
Comment: This study involves interpretation of variants in research participants for the purpose of population health screening. Participant phenotype was not available at the time of variant classification. Additional details can be found in publication PMID: 35346344, PMCID: PMC8962531